The following is an entry in ClinVar:

ClinVar aggregate classification (germline): Uncertain significance (1 of 4 stars; one submission).

Submission:

Labcorp Genetics (formerly Invitae), Labcorp
Classification: Uncertain significance. Last evaluated: 2021-09-01. Review status: criteria provided, single submitter. Criteria: Invitae Variant Classification Sherloc (09022015). Collection method: clinical testing. Allele origin: germline.
Comment: This sequence change affects codon 319 of the TULP1 mRNA. It is a 'silent' change, meaning that it does not change the encoded amino acid sequence of the TULP1 protein. This variant is not present in population databases (ExAC no frequency). This variant has not been reported in the literature in individuals affected with TULP1-related conditions. Algorithms developed to predict the effect of sequence changes on RNA splicing suggest that this variant may create or strengthen a splice site. In summary, the available evidence is currently insufficient to determine the role of this variant in disease. Therefore, it has been classified as a Variant of Uncertain Significance.

NM_003322.6(TULP1):c.957C>T (p.Gly319=)

Gene: TULP1 (TUB like protein 1; minus strand). Cytogenetic location: 6p21.31.
Variant type: single nucleotide variant.
Coding change: c.957C>T on transcript NM_003322.6 (MANE Select); coding-DNA position 957, C replaced by T.
Protein change: p.Gly319=; no amino-acid change (glycine 319 retained).
Molecular consequence: synonymous variant.
Genome position (GRCh38, 1-based): chr6:35,506,045, G>A on the plus strand (C>T on the coding strand, the complement: TULP1 is on the minus strand). VCF-style: chr6-35506045-G-A. GRCh37 (hg19) VCF-style: chr6-35473822-G-A.
Other names: c.798C>T, p.Gly266= (NM_001289395.2).
Identifiers: ClinVar variation 1051553 (VCV001051553.6), dbSNP rs2150925437, ClinGen allele CA450124527.
Genomic context (GRCh38, chr6:35,506,045, plus strand): 5'-CTGCCTCTCCCCACCCACCTTCTTCTCCGTGTCCAGGTGCAGGAAGTAGGAGGGATACAT[G>A]CCTCGATCCATGCCCTTTTTGTCCCGGGTCAGCCGGCAGCGCACCGTGCGGCCCTGGGGG-3'
Protein context (NP_003313.3, residues 309-329): LTRDKKGMDR[Gly319=]MYPSYFLHLD